The following is an entry in ClinVar:

ClinVar aggregate classification (germline): Likely pathogenic (1 of 4 stars; one submission).

Conditions:
Metachromatic leukodystrophy (MLD). Also called: SULFATIDE LIPIDOSIS; ARSA DEFICIENCY; CEREBROSIDE SULFATASE DEFICIENCY; METACHROMATIC LEUKOENCEPHALOPATHY; Cerebral sclerosis diffuse metachromatic form; Arylsulfatase A Deficiency. Identifiers: Orphanet 512, MedGen C0023522, MONDO:0018868, OMIM 250100.

Submission:

Myriad Genetics, Inc.
Classification: Likely pathogenic for Metachromatic leukodystrophy. Last evaluated: 2026-04-10. Review status: criteria provided, single submitter. Criteria: Myriad Autosomal Dominant, Autosomal Recessive and X-Linked Classification Criteria (2023). Collection method: clinical testing. Allele origin: unknown.
Comment: NM_000487.5(ARSA):c.1094_1098del5(L365Hfs*43) is a frameshift variant classified as likely pathogenic in the context of metachromatic leukodystrophy. L365Hfs*43 has not been observed in cases with relevant disease. Relevant functional assessments of this variant are not available in the literature. L365Hfs*43 has not been observed in referenced population frequency databases. In summary, NM_000487.5(ARSA):c.1094_1098del5(L365Hfs*43) is a frameshift variant in a gene where loss of function is a known mechanism of disease and is predicted to disrupt protein function. Please note: this variant was assessed in the context of healthy population screening.

NM_000487.6(ARSA):c.1094_1098del (p.Leu365fs)

Gene: ARSA (arylsulfatase A; minus strand). Cytogenetic location: 22q13.33.
Variant type: Deletion.
Coding change: c.1094_1098del on transcript NM_000487.6 (MANE Select); coding-DNA positions 1094 to 1098, 5 bases deleted (TGGGC; older notation c.1094_1098delTGGGC).
Protein change: p.Leu365fs; shifts the reading frame from leucine 365.
Molecular consequence: frameshift variant.
Genome position (GRCh38, 1-based): chr22:50,625,945-50,625,949, GCCCA deleted on the plus strand (TGGGC on the coding strand, the reverse complement: ARSA is on the minus strand); deleting any 5 consecutive bases within chr22:50,625,945-50,625,951 gives the same sequence; the c. name uses the placement nearest the transcript's 3' end. VCF-style (leftmost placement, unchanged base first): chr22-50625944-TGCCCA-T. GRCh37 (hg19) VCF-style: chr22-51064372-TGCCCA-T.
Other names: c.1094_1098del, p.Leu365fs (NM_001085425.3, NM_001085426.3, NM_001085427.3); c.836_840del, p.Leu279fs (NM_001085428.3, NM_001362782.2); short protein forms L279fs, L365fs.
Identifiers: ClinVar variation 5003554 (VCV005003554.1).